The following is an entry in ClinVar:

ClinVar aggregate classification (germline): Uncertain significance. Review status: criteria provided, multiple submitters, no conflicts (2 of 4 stars). 2 submissions from 2 submitters: Uncertain significance (2). Last evaluated 2024-02-26.

Conditions:
Peroxisome biogenesis disorder 4A (Zellweger) (PBD4A). Also called: Zellweger syndrome spectrum (PEX6-related). Identifiers: Orphanet 912, MedGen C3553936, MONDO:0013930, OMIM 614862. Disease mechanism: loss of function.
Peroxisome biogenesis disorder. Identifiers: Orphanet 79189, MedGen C1832200, MONDO:0019234. Disease mechanism: loss of function.

gnomAD v4.1: 4 of 1,561,494 alleles (0.00026%); highest among the groups gnomAD compares: Non-Finnish European, 0.00034%; no homozygotes.

Submissions (2):

Labcorp Genetics (formerly Invitae), Labcorp
Classification: Uncertain significance for Peroxisome biogenesis disorder. Last evaluated: 2024-02-26. Review status: criteria provided, single submitter. Criteria: Invitae Variant Classification Sherloc (09022015). Collection method: clinical testing. Allele origin: germline.
Comment: This sequence change replaces proline, which is neutral and non-polar, with threonine, which is neutral and polar, at codon 17 of the PEX6 protein (p.Pro17Thr). This variant is not present in population databases (gnomAD no frequency). This variant has not been reported in the literature in individuals affected with PEX6-related conditions. ClinVar contains an entry for this variant (Variation ID: 908378). An algorithm developed to predict the effect of missense changes on protein structure and function (PolyPhen-2) suggests that this variant¬†is likely to be tolerated. In summary, the available evidence is currently insufficient to determine the role of this variant in disease. Therefore, it has been classified as a Variant of Uncertain Significance.

Illumina Laboratory Services, Illumina
Classification: Uncertain significance for Peroxisome biogenesis disorder 4A (Zellweger). Last evaluated: 2018-01-13. Review status: criteria provided, single submitter. Criteria: ICSL Variant Classification Criteria 13 December 2019. Collection method: clinical testing. Allele origin: germline.

NM_000287.4(PEX6):c.49C>A (p.Pro17Thr)

Gene: PEX6 (peroxisomal biogenesis factor 6; minus strand). Cytogenetic location: 6p21.1.
Variant type: single nucleotide variant.
Coding change: c.49C>A on transcript NM_000287.4 (MANE Select); coding-DNA position 49, C replaced by A.
Protein change: p.Pro17Thr; replaces proline 17 with threonine.
Molecular consequence: missense variant. On other transcripts: non-coding transcript variant (1).
Genome position (GRCh38, 1-based): chr6:42,979,102, G>T on the plus strand (C>A on the coding strand, the complement: PEX6 is on the minus strand). VCF-style: chr6-42979102-G-T. GRCh37 (hg19) VCF-style: chr6-42946840-G-T.
Other names: c.49C>A, p.Pro17Thr (NM_001316313.2); short protein forms P17T.
Identifiers: ClinVar variation 908378 (VCV000908378.6), dbSNP rs918969564, ClinGen allele CA364169603.
Genomic context (GRCh38, chr6:42,979,102, plus strand): 5'-CCAGGCCCAGCTCCGCCGCCGGCCACGGGCCCCCGGGTGGCAGCAGCACTGCCAACGGGG[G>T]TGTCTCGGTCGGAAAGGGCTCCAGGACCCGCAAGACAGCCAGCGCCATGGTGACAGGACA-3'
Protein context (NP_000278.3, residues 7-27): RVLEPFPTET[Pro17Thr]PLAVLLPPGG